The following is an entry in ClinVar:

NM_138409.4(MRAP2):c.601_603delinsTAT (p.His201Tyr)

Gene: MRAP2 (melanocortin 2 receptor accessory protein 2; plus strand). Cytogenetic location: 6q14.2.
Variant type: Indel.
Coding change: c.601_603delinsTAT on transcript NM_138409.4 (MANE Select); coding-DNA positions 601 to 603, CAC replaced by TAT.
Protein change: p.His201Tyr; replaces histidine 201 with tyrosine.
Molecular consequence: missense variant.
Genome position (GRCh38, 1-based): chr6:84,089,464-84,089,466, CAC replaced by TAT. VCF-style: chr6-84089464-CAC-TAT. GRCh37 (hg19) VCF-style: chr6-84799183-CAC-TAT.
Other names: c.343_345delinsTAT, p.His115Tyr (NM_001346541.2); c.601_603delinsTAT, p.His201Tyr (NM_001346542.2, NM_001346544.2); c.436_438delinsTAT, p.His146Tyr (NM_001346543.2); short protein forms H115Y, H146Y, H201Y.
Identifiers: ClinVar variation 4998818 (VCV004998818.1).
Genomic context (GRCh38, chr6:84,089,464, plus strand): 5'-GATCTTCTGATTTCTGAACCACCTATTGTTCTGGAAACTAAGCCACTTTCCCAGACCTCA[CAC>TAT]AAAGACCTGGATTGAGAAACATGCTCTGTAAAGGGTCTTCCTGAAGATGTGGATTCTATC-3'
Protein context (NP_612418.2, residues 191-205): LETKPLSQTS[His201Tyr]KDLD

ClinVar aggregate classification (germline): Uncertain significance (1 of 4 stars; one submission).

Conditions:
MRAP2-related disorder. Also called: MRAP2-related condition.

Submission:

PreventionGenetics, part of Exact Sciences
Classification: Uncertain significance for MRAP2-related condition. Last evaluated: 2024-10-25. Review status: criteria provided, single submitter. Criteria: ACMG Guidelines, 2015. Collection method: clinical testing. Allele origin: germline.
Comment: The MRAP2 c.601_603delinsTAT variant is predicted to result in an in-frame deletion and insertion. To our knowledge, this variant has not been reported in the literature or in a large population database (gnomAD), indicating this variant is rare. At this time, the clinical significance of this variant is uncertain due to the absence of conclusive functional and genetic evidence.